The following is an entry in ClinVar:

NM_004273.5(CHST3):c.928C>A (p.Arg310Ser)

Gene: CHST3 (carbohydrate sulfotransferase 3; plus strand). Cytogenetic location: 10q22.1.
Variant type: single nucleotide variant.
Coding change: c.928C>A on transcript NM_004273.5 (MANE Select); coding-DNA position 928, C replaced by A.
Protein change: p.Arg310Ser; replaces arginine 310 with serine.
Molecular consequence: missense variant.
Genome position (GRCh38, 1-based): chr10:72,007,959, C>A. VCF-style: chr10-72007959-C-A. GRCh37 (hg19) VCF-style: chr10-73767717-C-A.
Other names: short protein forms R310S.
Identifiers: ClinVar variation 2696000 (VCV002696000.3), dbSNP rs1215036898, ClinGen allele CA377148104.
Genomic context (GRCh38, chr10:72,007,959, plus strand): 5'-CCCCGCCTGGACCTGCGCGTCATCCAGCTGGTGCGCGACCCCCGGGCCGTGCTGGCCTCG[C>A]GCATGGTGGCCTTCGCCGGCAAGTATAAGACCTGGAAGAAGTGGCTGGACGACGAGGGCC-3'
Protein context (NP_004264.2, residues 300-320): VRDPRAVLAS[Arg310Ser]MVAFAGKYKT

ClinVar aggregate classification (germline): Uncertain significance (1 of 4 stars; one submission).

Conditions:
Spondyloepiphyseal dysplasia with congenital joint dislocations (SEDCJD). Also called: Chondrodysplasia with Congenital Joint Dislocations, CHST3-Related. Identifiers: Orphanet 263463, MedGen C1837657, MONDO:0007738, OMIM 143095.

Allele frequency attached by ClinVar (database versions not stated): gnomAD exomes below 0.00001.
gnomAD v4.1: 5 of 1,549,500 alleles (0.00032%); highest among the groups gnomAD compares: African/African-American, 0.0014%; no homozygotes.

Submission:

Labcorp Genetics (formerly Invitae), Labcorp
Classification: Uncertain significance for Spondyloepiphyseal dysplasia with congenital joint dislocations. Last evaluated: 2023-11-21. Review status: criteria provided, single submitter. Criteria: Invitae Variant Classification Sherloc (09022015). Collection method: clinical testing. Allele origin: germline.
Comment: This sequence change replaces arginine, which is basic and polar, with serine, which is neutral and polar, at codon 310 of the CHST3 protein (p.Arg310Ser). This variant is not present in population databases (gnomAD no frequency). This variant has not been reported in the literature in individuals affected with CHST3-related conditions. Advanced modeling of protein sequence and biophysical properties (such as structural, functional, and spatial information, amino acid conservation, physicochemical variation, residue mobility, and thermodynamic stability) has been performed at Invitae for this missense variant, however the output from this modeling did not meet the statistical confidence thresholds required to predict the impact of this variant on CHST3 protein function. In summary, the available evidence is currently insufficient to determine the role of this variant in disease. Therefore, it has been classified as a Variant of Uncertain Significance.